The following is an entry in ClinVar:

NM_007126.5(VCP):c.365C>T (p.Thr122Ile)

Gene: VCP (valosin containing protein; minus strand). Cytogenetic location: 9p13.3.
Variant type: single nucleotide variant.
Coding change: c.365C>T on transcript NM_007126.5 (MANE Select); coding-DNA position 365, C replaced by T.
Protein change: p.Thr122Ile; replaces threonine 122 with isoleucine.
Molecular consequence: missense variant.
Genome position (GRCh38, 1-based): chr9:35,066,755, G>A on the plus strand (C>T on the coding strand, the complement: VCP is on the minus strand). VCF-style: chr9-35066755-G-A. GRCh37 (hg19) VCF-style: chr9-35066752-G-A.
Other names: c.230C>T, p.Thr77Ile (NM_001354927.2, NM_001354928.2); short protein forms T122I, T77I.
Identifiers: ClinVar variation 1360048 (VCV001360048.8), dbSNP rs2131038987, ClinGen allele CA373292175.

ClinVar aggregate classification (germline): Uncertain significance (1 of 4 stars; one submission).

Conditions:
Frontotemporal dementia and/or amyotrophic lateral sclerosis 6 (FTDALS6). Also called: VCP-Related Amyotrophic Lateral Sclerosis; VCP-Related Amyotrophic Lateral Sclerosis/Frontotemporal Dementia. Identifiers: Orphanet 275872, Orphanet 803, MedGen C5436279, MONDO:0013501, OMIM 613954.
Inclusion body myopathy with Paget disease of bone and frontotemporal dementia. Also called: Inclusion body myopathy with early-onset Paget disease and frontotemporal dementia. Identifiers: Orphanet 52430, MedGen C1833662, MONDO:0000507.

Submission:

Labcorp Genetics (formerly Invitae), Labcorp
Classification: Uncertain significance for Inclusion body myopathy with Paget disease of bone and frontotemporal dementia; Frontotemporal dementia and/or amyotrophic lateral sclerosis 6. Last evaluated: 2022-07-26. Review status: criteria provided, single submitter. Criteria: Invitae Variant Classification Sherloc (09022015). Collection method: clinical testing. Allele origin: germline.
Comment: In summary, the available evidence is currently insufficient to determine the role of this variant in disease. Therefore, it has been classified as a Variant of Uncertain Significance. Algorithms developed to predict the effect of missense changes on protein structure and function are either unavailable or do not agree on the potential impact of this missense change (SIFT: "Not Available"; PolyPhen-2: "Probably Damaging"; Align-GVGD: "Not Available"). ClinVar contains an entry for this variant (Variation ID: 1360048). This variant has not been reported in the literature in individuals affected with VCP-related conditions. This variant is not present in population databases (gnomAD no frequency). This sequence change replaces threonine, which is neutral and polar, with isoleucine, which is neutral and non-polar, at codon 122 of the VCP protein (p.Thr122Ile).